The following is an entry in ClinVar:

NM_000179.3(MSH6):c.990A>G (p.Ser330=)

Gene: MSH6 (mutS homolog 6; plus strand). Cytogenetic location: 2p16.3.
Variant type: single nucleotide variant.
Coding change: c.990A>G on transcript NM_000179.3 (MANE Select); coding-DNA position 990, A replaced by G.
Protein change: p.Ser330=; no amino-acid change (serine 330 retained).
Molecular consequence: synonymous variant.
Genome position (GRCh38, 1-based): chr2:47,798,973, A>G. VCF-style: chr2-47798973-A-G. GRCh37 (hg19) VCF-style: chr2-48026112-A-G.
Other names: c.600A>G, p.Ser200= (NM_001281492.2); c.84A>G, p.Ser28= (NM_001281493.2, NM_001281494.2).
Identifiers: ClinVar variation 507239 (VCV000507239.14), dbSNP rs1553412417, ClinGen allele CA426120711.

ClinVar aggregate classification (germline): Benign/Likely benign. Review status: criteria provided, multiple submitters, no conflicts (2 of 4 stars). 5 submissions from 5 submitters: Benign (1); Likely benign (4). Last evaluated 2025-06-29.

Conditions:
Hereditary nonpolyposis colorectal neoplasms. Identifiers: MedGen C0009405, MeSH D003123.
Hereditary cancer-predisposing syndrome. Also called: Hereditary neoplastic syndrome; Hereditary Cancer Syndrome; Neoplastic Syndromes, Hereditary; Tumor predisposition. Identifiers: Orphanet 140162, MedGen C0027672, MeSH D009386, MONDO:0015356.
Lynch syndrome 5 (LYNCH5). Also called: Hereditary non-polyposis colorectal cancer, type 5; Colorectal cancer, hereditary nonpolyposis, type 5. Identifiers: Orphanet 144, MedGen C1833477, MONDO:0013710, OMIM 614350. Disease mechanism: loss of function.

Allele frequency attached by ClinVar (database versions not stated): gnomAD exomes below 0.00001.

Submissions (5):

Labcorp Genetics (formerly Invitae), Labcorp
Classification: Likely benign for Hereditary nonpolyposis colorectal neoplasms. Last evaluated: 2025-06-29. Review status: criteria provided, single submitter. Criteria: Invitae Variant Classification Sherloc (09022015). Collection method: clinical testing. Allele origin: germline.

Myriad Genetics, Inc.
Classification: Benign for Lynch syndrome 5. Last evaluated: 2024-12-20. Review status: criteria provided, single submitter. Criteria: Myriad Autosomal Dominant, Autosomal Recessive and X-Linked Classification Criteria (2023). Collection method: clinical testing. Allele origin: unknown.
Comment: This variant is considered benign. This variant is a silent/synonymous amino acid change and it is not expected to impact splicing.

Ambry Genetics
Classification: Likely benign for Hereditary cancer-predisposing syndrome. Last evaluated: 2024-02-24. Review status: criteria provided, single submitter. Criteria: Ambry Variant Classification Scheme 2023. Collection method: clinical testing. Allele origin: germline.

Color Diagnostics, LLC DBA Color Health
Classification: Likely benign for Hereditary cancer-predisposing syndrome. Last evaluated: 2020-03-24. Review status: criteria provided, single submitter. Criteria: ACMG Guidelines, 2015. Collection method: clinical testing. Allele origin: germline.

GeneDx
Classification: Likely benign. Last evaluated: 2017-02-01. Review status: criteria provided, single submitter. Criteria: GeneDx Variant Classification (06012015). Collection method: clinical testing. Allele origin: germline. Affected: yes.
Comment: This variant is considered likely benign or benign based on one or more of the following criteria: it is a conservative change, it occurs at a poorly conserved position in the protein, it is predicted to be benign by multiple in silico algorithms, and/or has population frequency not consistent with disease.